The following is an entry in ClinVar:

NM_177438.3(DICER1):c.4975C>G (p.Leu1659Val)

Gene: DICER1 (dicer 1, ribonuclease III; minus strand). Cytogenetic location: 14q32.13.
Variant type: single nucleotide variant.
Coding change: c.4975C>G on transcript NM_177438.3 (MANE Select); coding-DNA position 4975, C replaced by G.
Protein change: p.Leu1659Val; replaces leucine 1659 with valine.
Molecular consequence: missense variant. On other transcripts: non-coding transcript variant (6).
Genome position (GRCh38, 1-based): chr14:95,095,945, G>C on the plus strand (C>G on the coding strand, the complement: DICER1 is on the minus strand). VCF-style: chr14-95095945-G-C. GRCh37 (hg19) VCF-style: chr14-95562282-G-C.
Other names: c.4975C>G, p.Leu1659Val (NM_001195573.1, NM_001271282.3, NM_001291628.2 and 13 more transcripts); c.4693C>G, p.Leu1565Val (NM_001395686.1); c.4570C>G, p.Leu1524Val (NM_001395687.1, NM_001395688.1, NM_001395689.1 and 2 more transcripts); c.4408C>G, p.Leu1470Val (NM_001395691.1); c.3292C>G, p.Leu1098Val (NM_001395697.1); short protein forms L1098V, L1524V, L1565V, L1659V, L1470V.
Identifiers: ClinVar variation 2706326 (VCV002706326.3), dbSNP rs2542478841, ClinGen allele CA390866188.

ClinVar aggregate classification (germline): Uncertain significance (1 of 4 stars; one submission).

Conditions:
DICER1-related tumor predisposition. Also called: DICER1 syndrome; DICER1-related pleuropulmonary blastoma cancer predisposition syndrome. Identifiers: Orphanet 284343, MedGen C3839822, MONDO:0100216.

Submission:

Labcorp Genetics (formerly Invitae), Labcorp
Classification: Uncertain significance for DICER1-related tumor predisposition. Last evaluated: 2023-12-30. Review status: criteria provided, single submitter. Criteria: Invitae Variant Classification Sherloc (09022015). Collection method: clinical testing. Allele origin: germline.
Comment: This sequence change replaces leucine, which is neutral and non-polar, with valine, which is neutral and non-polar, at codon 1659 of the DICER1 protein (p.Leu1659Val). This variant is not present in population databases (gnomAD no frequency). This variant has not been reported in the literature in individuals affected with DICER1-related conditions. Advanced modeling of protein sequence and biophysical properties (such as structural, functional, and spatial information, amino acid conservation, physicochemical variation, residue mobility, and thermodynamic stability) performed at Invitae indicates that this missense variant is expected to disrupt DICER1 protein function with a positive predictive value of 80%. In summary, the available evidence is currently insufficient to determine the role of this variant in disease. Therefore, it has been classified as a Variant of Uncertain Significance.